The following is an entry in ClinVar:

NM_001540.5(HSPB1):c.460T>G (p.Ser154Ala)

Gene: HSPB1 (heat shock protein family B (small) member 1; plus strand). Cytogenetic location: 7q11.23.
Variant type: single nucleotide variant.
Coding change: c.460T>G on transcript NM_001540.5 (MANE Select); coding-DNA position 460, T replaced by G.
Protein change: p.Ser154Ala; replaces serine 154 with alanine.
Molecular consequence: missense variant.
Genome position (GRCh38, 1-based): chr7:76,304,015, T>G. VCF-style: chr7-76304015-T-G. GRCh37 (hg19) VCF-style: chr7-75933332-T-G.
Other names: short protein forms S154A.
Identifiers: ClinVar variation 995125 (VCV000995125.8), dbSNP rs1158758405, ClinGen allele CA367765847.

ClinVar aggregate classification (germline): Uncertain significance. Review status: criteria provided, multiple submitters, no conflicts (2 of 4 stars). 2 submissions from 2 submitters: Uncertain significance (2). Last evaluated 2023-11-27.

Conditions:
Charcot-Marie-Tooth disease axonal type 2F (CMT2F). Also called: Charcot-Marie-Tooth Neuropathy Type 2F; CHARCOT-MARIE-TOOTH DISEASE, NEURONAL, TYPE 2F. Identifiers: Orphanet 99940, MedGen C1847823, MONDO:0011687, OMIM 606595.

Allele frequency attached by ClinVar (database versions not stated): gnomAD exomes below 0.00001.
gnomAD v4.1: 1 of 1,613,808 alleles (0.000062%); highest among the groups gnomAD compares: Non-Finnish European, 0.000085%; no homozygotes.

Submissions (2):

Labcorp Genetics (formerly Invitae), Labcorp
Classification: Uncertain significance for Charcot-Marie-Tooth disease axonal type 2F. Last evaluated: 2023-11-27. Review status: criteria provided, single submitter. Criteria: Invitae Variant Classification Sherloc (09022015). Collection method: clinical testing. Allele origin: germline.
Comment: This sequence change replaces serine, which is neutral and polar, with alanine, which is neutral and non-polar, at codon 154 of the HSPB1 protein (p.Ser154Ala). This variant is present in population databases (no rsID available, gnomAD 0.0009%). This variant has not been reported in the literature in individuals affected with HSPB1-related conditions. ClinVar contains an entry for this variant (Variation ID: 995125). Advanced modeling of protein sequence and biophysical properties (such as structural, functional, and spatial information, amino acid conservation, physicochemical variation, residue mobility, and thermodynamic stability) has been performed at Invitae for this missense variant, however the output from this modeling did not meet the statistical confidence thresholds required to predict the impact of this variant on HSPB1 protein function. In summary, the available evidence is currently insufficient to determine the role of this variant in disease. Therefore, it has been classified as a Variant of Uncertain Significance.

Athena Diagnostics
Classification: Uncertain significance. Last evaluated: 2019-10-17. Review status: criteria provided, single submitter. Criteria: Athena Diagnostics Criteria. Collection method: clinical testing. Allele origin: unknown.